The following is an entry in ClinVar:

NM_182914.3(SYNE2):c.16855G>A (p.Asp5619Asn)

Gene: SYNE2 (spectrin repeat containing nuclear envelope protein 2; plus strand). Cytogenetic location: 14q23.2.
Variant type: single nucleotide variant.
Coding change: c.16855G>A on transcript NM_182914.3 (MANE Select); coding-DNA position 16855, G replaced by A.
Protein change: p.Asp5619Asn; replaces aspartic acid 5619 with asparagine.
Molecular consequence: missense variant.
Genome position (GRCh38, 1-based): chr14:64,167,589, G>A. VCF-style: chr14-64167589-G-A. GRCh37 (hg19) VCF-style: chr14-64634307-G-A.
Other names: c.16855G>A, p.Asp5619Asn (NM_015180.6); short protein forms D5619N.
Identifiers: ClinVar variation 970411 (VCV000970411.9), dbSNP rs1220986968, ClinGen allele CA389967630.

ClinVar aggregate classification (germline): Uncertain significance (1 of 4 stars; one submission).

Conditions:
Emery-Dreifuss muscular dystrophy 5, autosomal dominant (EDMD5). Also called: EMERY-DREIFUSS MUSCULAR DYSTROPHY 5. Identifiers: Orphanet 261, MedGen C2751805, MONDO:0013072, OMIM 612999.

Allele frequency attached by ClinVar (database versions not stated): gnomAD exomes below 0.00001 and 0.00001.
gnomAD v4.1: 3 of 1,614,202 alleles (0.00019%); highest among the groups gnomAD compares: South Asian, 0.0033%; no homozygotes.

Submission:

Labcorp Genetics (formerly Invitae), Labcorp
Classification: Uncertain significance for Emery-Dreifuss muscular dystrophy 5, autosomal dominant. Last evaluated: 2019-11-03. Review status: criteria provided, single submitter. Criteria: Invitae Variant Classification Sherloc (09022015). Collection method: clinical testing. Allele origin: germline.
Comment: In summary, the available evidence is currently insufficient to determine the role of this variant in disease. Therefore, it has been classified as a Variant of Uncertain Significance. This sequence change replaces aspartic acid with asparagine at codon 5619 of the SYNE2 protein (p.Asp5619Asn). The aspartic acid residue is weakly conserved and there is a small physicochemical difference between aspartic acid and asparagine. This variant is not present in population databases (ExAC no frequency). This variant has not been reported in the literature in individuals with SYNE2-related conditions. Algorithms developed to predict the effect of missense changes on protein structure and function output the following: SIFT: "Tolerated"; PolyPhen-2: "Benign"; Align-GVGD: "Class C0". The asparagine amino acid residue is found in multiple mammalian species, suggesting that this missense change does not adversely affect protein function. These predictions have not been confirmed by published functional studies and their clinical significance is uncertain.